The following is an entry in ClinVar:

NM_000090.4(COL3A1):c.4255-11C>A

Gene: COL3A1 (collagen type III alpha 1 chain; plus strand). Cytogenetic location: 2q32.2.
Variant type: single nucleotide variant.
Coding change: c.4255-11C>A on transcript NM_000090.4 (MANE Select); 11 bases into the intron before coding-DNA position 4255, C replaced by A.
Molecular consequence: intron variant.
Genome position (GRCh38, 1-based): chr2:189,011,617, C>A. VCF-style: chr2-189011617-C-A. GRCh37 (hg19) VCF-style: chr2-189876343-C-A.
Identifiers: ClinVar variation 923602 (VCV000923602.3), dbSNP rs766242305, ClinGen allele CA076525.

ClinVar aggregate classification (germline): Uncertain significance (1 of 4 stars; one submission).

Conditions:
Familial thoracic aortic aneurysm and aortic dissection (TAAD). Also called: Thoracic aortic aneurysms and dissections. Identifiers: Orphanet 91387, MedGen C4707243, MONDO:0019625.

Allele frequency attached by ClinVar (database versions not stated): gnomAD exomes below 0.00001; ExAC 0.00001.
gnomAD v4.1: 6 of 1,613,728 alleles (0.00037%); highest among the groups gnomAD compares: Non-Finnish European, 0.00051%; no homozygotes.

Submission:

Color Diagnostics, LLC DBA Color Health
Classification: Uncertain significance for Familial thoracic aortic aneurysm and aortic dissection. Last evaluated: 2019-12-04. Review status: criteria provided, single submitter. Criteria: ACMG Guidelines, 2015. Collection method: clinical testing. Allele origin: germline.
Comment: This variant causes a C>A nucleotide substitution at the -11 position of intron 50 of the COL3A1 gene. Splice site prediction tools and conservation analysis are inconclusive regarding the impact of this variant on RNA splicing. To our knowledge, functional studies have not been performed for this variant. This variant has not been reported in individuals affected with cardiovascular disorders in the literature. This variant has been identified in 1/251262 chromosomes in the general population by the Genome Aggregation Database (gnomAD). The available evidence is insufficient to determine the role of this variant in disease conclusively. Therefore, this variant is classified as a Variant of Uncertain Significance.